The following is an entry in ClinVar:

ClinVar aggregate classification (germline): Uncertain significance (1 of 4 stars; one submission).

Conditions:
Inborn genetic diseases. Identifiers: MedGen C0950123, MeSH D030342.

Submission:

Ambry Genetics
Classification: Uncertain significance for Inborn genetic diseases. Last evaluated: 2025-03-15. Review status: criteria provided, single submitter. Criteria: Ambry Variant Classification Scheme 2023. Collection method: clinical testing. Allele origin: germline.
Comment: The c.654C>T variant (also known as p.G218G), located in coding exon 8 of the DDX41 gene, results from a C to T substitution at nucleotide position 654. This nucleotide substitution does not change the amino acid at codon 218. This nucleotide position is not well conserved in available vertebrate species. In silico splice site analysis predicts that this alteration may result in the creation or strengthening of a novel splice acceptor site. Based on the available evidence, the clinical significance of this variant remains unclear.

NM_016222.4(DDX41):c.654C>T (p.Gly218=)

Gene: DDX41 (DEAD-box helicase 41; minus strand). Cytogenetic location: 5q35.3.
Variant type: single nucleotide variant.
Coding change: c.654C>T on transcript NM_016222.4 (MANE Select); coding-DNA position 654, C replaced by T.
Protein change: p.Gly218=; no amino-acid change (glycine 218 retained).
Molecular consequence: synonymous variant.
Genome position (GRCh38, 1-based): chr5:177,515,060, G>A on the plus strand (C>T on the coding strand, the complement: DDX41 is on the minus strand). VCF-style: chr5-177515060-G-A. GRCh37 (hg19) VCF-style: chr5-176942061-G-A.
Other names: c.276C>T, p.Gly92= (NM_001321732.2, NM_001321830.2).
Identifiers: ClinVar variation 4010259 (VCV004010259.1).